The following is an entry in ClinVar:

ClinVar aggregate classification (germline): Benign/Likely benign. Review status: criteria provided, multiple submitters, no conflicts (2 of 4 stars). 4 submissions from 4 submitters: Benign (2); Likely benign (2). Last evaluated 2026-02-03.

Conditions:
Sucrase-isomaltase deficiency (CSID). Also called: SI DEFICIENCY; Deficiency of isomaltase; Congenital sucrose isomaltose malabsorption; Sucrose isomaltose enzyme deficiency. Identifiers: Orphanet 35122, MedGen C1283620, MONDO:0009114, OMIM 222900.

Allele frequency attached by ClinVar (database versions not stated): 1000 Genomes Project 0.01018; 1000 Genomes Project 30x 0.01046; TOPMed 0.01569; ExAC 0.01692; gnomAD 0.01758 and 0.01823; gnomAD exomes 0.01819; ESP Exome Variant Server 0.01891.

Submissions (4):

Labcorp Genetics (formerly Invitae), Labcorp
Classification: Benign. Last evaluated: 2026-02-03. Review status: criteria provided, single submitter. Criteria: Invitae Variant Classification Sherloc (09022015). Collection method: clinical testing. Allele origin: germline.

Mayo Clinic Laboratories, Mayo Clinic
Classification: Benign. Last evaluated: 2025-05-28. Review status: criteria provided, single submitter. Criteria: ACMG Guidelines, 2015. Collection method: clinical testing. Allele origin: germline. Observed: 1 variant allele.
Comment: BS1, BS2, BP4, BP7

Illumina Laboratory Services, Illumina
Classification: Likely benign for Sucrase-isomaltase deficiency. Last evaluated: 2018-01-13. Review status: criteria provided, single submitter. Criteria: ICSL Variant Classification Criteria 13 December 2019. Collection method: clinical testing. Allele origin: germline.
Comment: This variant was observed in the ICSL laboratory as part of a predisposition screen in an ostensibly healthy population. It had not been previously curated by ICSL or reported in the Human Gene Mutation Database (HGMD: prior to June 1st, 2018), and was therefore a candidate for classification through an automated scoring system. Utilizing variant allele frequency, disease prevalence and penetrance estimates, and inheritance mode, an automated score was calculated to assess if this variant is too frequent to cause the disease. Based on the score and internal cut-off values, a variant classified as likely benign is not then subjected to further curation. The score for this variant resulted in a classification of likely benign for this disease.

Breakthrough Genomics
Classification: Likely benign. Review status: criteria provided, single submitter. Criteria: ACMG Guidelines, 2015. Collection method: not provided. Allele origin: germline. Inheritance: Autosomal recessive inheritance. Affected: yes.

NM_001041.4(SI):c.4044G>A (p.Thr1348=)

Gene: SI (sucrase-isomaltase; minus strand). Cytogenetic location: 3q26.1.
Variant type: single nucleotide variant.
Coding change: c.4044G>A on transcript NM_001041.4 (MANE Select); coding-DNA position 4044, G replaced by A.
Protein change: p.Thr1348=; no amino-acid change (threonine 1348 retained).
Molecular consequence: synonymous variant.
Genome position (GRCh38, 1-based): chr3:165,012,998, C>T on the plus strand (G>A on the coding strand, the complement: SI is on the minus strand). VCF-style: chr3-165012998-C-T. GRCh37 (hg19) VCF-style: chr3-164730786-C-T.
Other names: p.Thr1348=.
Identifiers: ClinVar variation 344020 (VCV000344020.15), dbSNP rs75253993, ClinGen allele CA2690045.